The following is an entry in ClinVar:

ClinVar aggregate classification (germline): Uncertain significance (1 of 4 stars; one submission).

Conditions:
Developmental and epileptic encephalopathy, 1 (DEE1). Also called: INFANTILE SPASM SYNDROME, X-LINKED 1; X-linked infantile spasms; West's syndrome; Tonic spasms with clustering, arrest of psychomotor development and hypsarrhythmia on EEG; X-Linked Infantile Spasm Syndrome; OHTAHARA SYNDROME, X-LINKED. Identifiers: MedGen C3463992, MONDO:0010632, OMIM 308350. Disease mechanism: loss of function.
Intellectual disability, X-linked, with or without seizures, ARX-related. Also called: MENTAL RETARDATION, X-LINKED 29; MENTAL RETARDATION, X-LINKED 32; MENTAL RETARDATION, X-LINKED 33; MENTAL RETARDATION, X-LINKED 38; MENTAL RETARDATION, X-LINKED 43; MENTAL RETARDATION, X-LINKED 76. Identifiers: Orphanet 777, MedGen C0796244, MONDO:0010317, OMIM 300419.

Submission:

Labcorp Genetics (formerly Invitae), Labcorp
Classification: Uncertain significance for Developmental and epileptic encephalopathy, 1; Intellectual disability, X-linked, with or without seizures, ARX-related. Last evaluated: 2022-08-31. Review status: criteria provided, single submitter. Criteria: Invitae Variant Classification Sherloc (09022015). Collection method: clinical testing. Allele origin: germline.
Comment: A copy number gain of the genomic region encompassing the full coding sequence of the ARX gene has been identified. The boundaries of this event are unknown as they extend beyond the assayed region for this gene and therefore may encompass additional genes. As the precise location of this event is unknown, it may be in tandem or it may be located elsewhere in the genome. Isolated whole-gene copy number gains of ARX have not been reported in the literature. However, larger copy number events that include this gene have been reported (PMID: 24643514, 26337422). In summary, the available evidence is currently insufficient to determine the role of this variant in disease. Therefore, it has been classified as a Variant of Uncertain Significance.

Literature cited by the submitters: PubMed 24643514; PubMed 26337422.

NC_000023.10:g.(?_24512839)_(25033854_?)dup

Genes: ARX (aristaless related homeobox; minus strand), PCYT1B (phosphate cytidylyltransferase 1B, choline; minus strand), PDK3 (pyruvate dehydrogenase kinase 3; plus strand), POLA1 (DNA polymerase alpha 1, catalytic subunit; plus strand). Cytogenetic location: Xp22.11-21.3.
Variant type: Duplication.
Identifiers: ClinVar variation 2427281 (VCV002427281.5).